The following is an entry in ClinVar:

NM_001367561.1(DOCK7):c.5648A>G (p.Glu1883Gly)

Gene: DOCK7 (dedicator of cytokinesis 7; minus strand). Cytogenetic location: 1p31.3.
Variant type: single nucleotide variant.
Coding change: c.5648A>G on transcript NM_001367561.1 (MANE Select); coding-DNA position 5648, A replaced by G.
Protein change: p.Glu1883Gly; replaces glutamic acid 1883 with glycine.
Molecular consequence: missense variant.
Genome position (GRCh38, 1-based): chr1:62,476,143, T>C on the plus strand (A>G on the coding strand, the complement: DOCK7 is on the minus strand). VCF-style: chr1-62476143-T-C. GRCh37 (hg19) VCF-style: chr1-62941814-T-C.
Other names: c.5621A>G, p.Glu1874Gly (NM_001330614.2); c.5555A>G, p.Glu1852Gly (NM_033407.4); c.5615A>G, p.Glu1872Gly (NM_001271999.2); c.5528A>G, p.Glu1843Gly (NM_001272000.2); c.5522A>G, p.Glu1841Gly (NM_001272001.2); short protein forms E1841G, E1872G, E1874G, E1843G, E1883G, E1852G.
Identifiers: ClinVar variation 3656063 (VCV003656063.2).

ClinVar aggregate classification (germline): Uncertain significance (1 of 4 stars; one submission).

Conditions:
Developmental and epileptic encephalopathy, 23 (DEE23). Also called: Epileptic encephalopathy, early infantile, 23. Identifiers: Orphanet 411986, MedGen C4014492, MONDO:0014371, OMIM 615859.

Submission:

Labcorp Genetics (formerly Invitae), Labcorp
Classification: Uncertain significance for Developmental and epileptic encephalopathy, 23. Last evaluated: 2025-11-04. Review status: criteria provided, single submitter. Criteria: Invitae Variant Classification Sherloc (09022015). Collection method: clinical testing. Allele origin: germline.
Comment: This sequence change replaces glutamic acid, which is acidic and polar, with glycine, which is neutral and non-polar, at codon 1872 of the DOCK7 protein (p.Glu1872Gly). This variant is not present in population databases (gnomAD no frequency). This variant has not been reported in the literature in individuals affected with DOCK7-related conditions. ClinVar contains an entry for this variant (Variation ID: 3656063). Invitae Evidence Modeling of protein sequence and biophysical properties (such as structural, functional, and spatial information, amino acid conservation, physicochemical variation, residue mobility, and thermodynamic stability) indicates that this missense variant is not expected to disrupt DOCK7 protein function with a negative predictive value of 80%. In summary, the available evidence is currently insufficient to determine the role of this variant in disease. Therefore, it has been classified as a Variant of Uncertain Significance.